The following is an entry in ClinVar:

NM_001145358.2(SIN3A):c.1892G>A (p.Arg631Gln)

Gene: SIN3A (SIN3 transcription regulator family member A; minus strand). Cytogenetic location: 15q24.2.
Variant type: single nucleotide variant.
Coding change: c.1892G>A on transcript NM_001145358.2 (MANE Select); coding-DNA position 1892, G replaced by A.
Protein change: p.Arg631Gln; replaces arginine 631 with glutamine.
Molecular consequence: missense variant.
Genome position (GRCh38, 1-based): chr15:75,396,459, C>T on the plus strand (G>A on the coding strand, the complement: SIN3A is on the minus strand). VCF-style: chr15-75396459-C-T. GRCh37 (hg19) VCF-style: chr15-75688800-C-T.
Other names: c.1892G>A, p.Arg631Gln (NM_001145357.2, NM_015477.3); short protein forms R631Q.
Identifiers: ClinVar variation 3018576 (VCV003018576.3), dbSNP rs1362026779, ClinGen allele CA393495523.

ClinVar aggregate classification (germline): Uncertain significance (1 of 4 stars; one submission).

Allele frequency attached by ClinVar (database versions not stated): gnomAD exomes below 0.00001; TOPMed 0.00002.
gnomAD v4.1: 3 of 1,613,916 alleles (0.00019%); highest among the groups gnomAD compares: Non-Finnish European, 0.00025%; no homozygotes.

Submission:

Labcorp Genetics (formerly Invitae), Labcorp
Classification: Uncertain significance. Last evaluated: 2023-01-13. Review status: criteria provided, single submitter. Criteria: Invitae Variant Classification Sherloc (09022015). Collection method: clinical testing. Allele origin: germline.
Comment: Advanced modeling of protein sequence and biophysical properties (such as structural, functional, and spatial information, amino acid conservation, physicochemical variation, residue mobility, and thermodynamic stability) has been performed at Invitae for this missense variant, however the output from this modeling did not meet the statistical confidence thresholds required to predict the impact of this variant on SIN3A protein function. In summary, the available evidence is currently insufficient to determine the role of this variant in disease. Therefore, it has been classified as a Variant of Uncertain Significance. This variant has not been reported in the literature in individuals affected with SIN3A-related conditions. This variant is present in population databases (no rsID available, gnomAD 0.0009%). This sequence change replaces arginine, which is basic and polar, with glutamine, which is neutral and polar, at codon 631 of the SIN3A protein (p.Arg631Gln).